The following is an entry in ClinVar:

ClinVar aggregate classification (germline): Uncertain significance (1 of 4 stars; one submission).

Allele frequency attached by ClinVar (database versions not stated): gnomAD exomes 0.00001; ExAC 0.00002; TOPMed 0.00003; gnomAD 0.00004; 1000 Genomes Project 30x 0.00016; 1000 Genomes Project 0.00020.
gnomAD v4.1: 20 of 1,613,628 alleles (0.0012%); highest among the groups gnomAD compares: African/African-American, 0.0053%; no homozygotes.

Submission:

Labcorp Genetics (formerly Invitae), Labcorp
Classification: Uncertain significance. Last evaluated: 2022-03-29. Review status: criteria provided, single submitter. Criteria: Invitae Variant Classification Sherloc (09022015). Collection method: clinical testing. Allele origin: germline.
Comment: This variant has not been reported in the literature in individuals affected with ABCD3-related conditions. This variant is present in population databases (rs540924146, gnomAD 0.007%). This sequence change replaces arginine, which is basic and polar, with tryptophan, which is neutral and slightly polar, at codon 271 of the ABCD3 protein (p.Arg271Trp). Algorithms developed to predict the effect of missense changes on protein structure and function are either unavailable or do not agree on the potential impact of this missense change (SIFT: "Deleterious"; PolyPhen-2: "Probably Damaging"; Align-GVGD: "Class C15"). In summary, the available evidence is currently insufficient to determine the role of this variant in disease. Therefore, it has been classified as a Variant of Uncertain Significance. Algorithms developed to predict the effect of sequence changes on RNA splicing suggest that this variant may disrupt the consensus splice site.

NM_002858.4(ABCD3):c.811C>T (p.Arg271Trp)

Gene: ABCD3 (ATP binding cassette subfamily D member 3; plus strand). Cytogenetic location: 1p21.3.
Variant type: single nucleotide variant.
Coding change: c.811C>T on transcript NM_002858.4 (MANE Select); coding-DNA position 811, C replaced by T.
Protein change: p.Arg271Trp; replaces arginine 271 with tryptophan.
Molecular consequence: missense variant.
Genome position (GRCh38, 1-based): chr1:94,480,590, C>T. VCF-style: chr1-94480590-C-T. GRCh37 (hg19) VCF-style: chr1-94946146-C-T.
Other names: short protein forms R271W.
Identifiers: ClinVar variation 1955235 (VCV001955235.5), dbSNP rs540924146, ClinGen allele CA960240.